The following is an entry in ClinVar:

NM_005560.6(LAMA5):c.857G>T (p.Arg286Leu)

Gene: LAMA5 (laminin subunit alpha 5; minus strand). Cytogenetic location: 20q13.33.
Variant type: single nucleotide variant.
Coding change: c.857G>T on transcript NM_005560.6 (MANE Select); coding-DNA position 857, G replaced by T.
Protein change: p.Arg286Leu; replaces arginine 286 with leucine.
Molecular consequence: missense variant.
Genome position (GRCh38, 1-based): chr20:62,351,910, C>A on the plus strand (G>T on the coding strand, the complement: LAMA5 is on the minus strand). VCF-style: chr20-62351910-C-A. GRCh37 (hg19) VCF-style: chr20-60926966-C-A.
Other names: short protein forms R286L.
Identifiers: ClinVar variation 986382 (VCV000986382.2), dbSNP rs962267864, ClinGen allele CA409528566.

ClinVar aggregate classification (germline): Uncertain significance. Review status: criteria provided, single submitter (1 of 4 stars). 2 submissions from 2 submitters: Uncertain significance (1). 1 of the submissions does not count toward it. Last evaluated 2020-11-16.

Conditions:
Congenital omphalocele. Also called: Omphalocele; Omphalocoele. Identifiers: Orphanet 660, MedGen C0795690, MONDO:0019015, HP:0001539.
Nephrotic syndrome, IIa 26. Also called: Nephrotic syndrome, type 26. Identifiers: MedGen C5774221, MONDO:0031061, OMIM 620049.

Submissions (2):

Broad Center for Mendelian Genomics, Broad Institute of MIT and Harvard
Classification: Uncertain significance for Congenital omphalocele. Last evaluated: 2020-11-16. Review status: criteria provided, single submitter. Criteria: ACMG Guidelines, 2015. Collection method: curation. Allele origin: germline. Inheritance: Autosomal recessive inheritance.
Comment: The variant has not been previously reported in individuals with omphalocele, hearing impairment, kidney disease, short stature, and abnormal ears and was absent from large population studies. Animal models in mice have shown that this variant causes omphalocele, kidney disease, and short stature (PMID: 32439764). Computational prediction tools and conservation analyses suggest that this variant may impact the protein, though this information is not predictive enough to determine pathogenicity. Furthermore, although this gene has been reported in association with omphalocele, hearing impairment, kidney disease, short stature, and abnormal ears, it currently has limited evidence for these associations. In summary, while there is some suspicion for a pathogenic role, the evidence for this gene-disease relationship is limited and therefore the clinical significance of this variant is uncertain. ACMG/AMP Criteria applied: PS3, PM2, PP3, PM3 (Richards 2015).

OMIM
Classification: Pathogenic for NEPHROTIC SYNDROME, TYPE 26. Last evaluated: 2022-10-13. Review status: no assertion criteria provided. Collection method: literature only. Allele origin: germline. Not counted in ClinVar's aggregate classification.

Literature cited by the submitters: PubMed 32439764 (cited by Broad Center for Mendelian Genomics, Broad Institute of MIT and Harvard and OMIM).